The following is an entry in ClinVar:

ClinVar aggregate classification (germline): Uncertain significance. Review status: criteria provided, multiple submitters, no conflicts (2 of 4 stars). 2 submissions from 2 submitters: Uncertain significance (2). Last evaluated 2025-07-01.

Conditions:
Ellis-van Creveld syndrome (EVC). Also called: EVC-Related Ellis-van Creveld Syndrome; EVC2-Related Ellis-van Creveld Syndrome; Chondroectodermal dysplasia; MESOECTODERMAL DYSPLASIA. Identifiers: Orphanet 289, MedGen C0013903, MONDO:0009162, OMIM 225500.
Curry-Hall syndrome (WAD). Also called: WEYERS ACRODENTAL DYSOSTOSIS. Identifiers: Orphanet 952, MedGen C0457013, MONDO:0008673, OMIM 193530.

Allele frequency attached by ClinVar (database versions not stated): gnomAD exomes below 0.00001.
gnomAD v4.1: 2 of 1,614,008 alleles (0.00012%); highest among the groups gnomAD compares: Non-Finnish European, 0.000085%; no homozygotes.

Submissions (2):

Women's Health and Genetics/Laboratory Corporation of America, LabCorp
Classification: Uncertain significance. Last evaluated: 2025-07-01. Review status: criteria provided, single submitter. Criteria: LabCorp Variant Classification Summary - May 2015. Collection method: clinical testing. Allele origin: germline.
Comment: Variant summary: EVC2 c.2305C>T (p.Pro769Ser) results in a non-conservative amino acid change in the encoded protein sequence. Algorithms developed to predict the effect of missense changes on protein structure and function all suggest that this variant is likely to be disruptive. The variant allele was found at a frequency of 4e-06 in 251298 control chromosomes. The available data on variant occurrences in the general population are insufficient to allow any conclusion about variant significance. To our knowledge, no occurrence of c.2305C>T in individuals affected with Ellis-van Creveld syndrome and no experimental evidence demonstrating its impact on protein function have been reported. ClinVar contains an entry for this variant (Variation ID: 958561). Based on the evidence outlined above, the variant was classified as uncertain significance.

Labcorp Genetics (formerly Invitae), Labcorp
Classification: Uncertain significance for Curry-Hall syndrome; Ellis-van Creveld syndrome. Last evaluated: 2021-08-31. Review status: criteria provided, single submitter. Criteria: Invitae Variant Classification Sherloc (09022015). Collection method: clinical testing. Allele origin: germline.
Comment: This sequence change replaces proline with serine at codon 769 of the EVC2 protein (p.Pro769Ser). The proline residue is highly conserved and there is a moderate physicochemical difference between proline and serine. This variant is not present in population databases (ExAC no frequency). This variant has not been reported in the literature in individuals affected with EVC2-related conditions. Algorithms developed to predict the effect of missense changes on protein structure and function (SIFT, PolyPhen-2, Align-GVGD) all suggest that this variant is likely to be disruptive. In summary, the available evidence is currently insufficient to determine the role of this variant in disease. Therefore, it has been classified as a Variant of Uncertain Significance.

NM_147127.5(EVC2):c.2305C>T (p.Pro769Ser)

Gene: EVC2 (EvC ciliary complex subunit 2; minus strand). Cytogenetic location: 4p16.2.
Variant type: single nucleotide variant.
Coding change: c.2305C>T on transcript NM_147127.5 (MANE Select); coding-DNA position 2305, C replaced by T.
Protein change: p.Pro769Ser; replaces proline 769 with serine.
Molecular consequence: missense variant.
Genome position (GRCh38, 1-based): chr4:5,622,733, G>A on the plus strand (C>T on the coding strand, the complement: EVC2 is on the minus strand). VCF-style: chr4-5622733-G-A. GRCh37 (hg19) VCF-style: chr4-5624460-G-A.
Other names: c.2065C>T, p.Pro689Ser (NM_001166136.2); short protein forms P769S, P689S.
Identifiers: ClinVar variation 958561 (VCV000958561.10), dbSNP rs1454769055, ClinGen allele CA356144725.